The following is an entry in ClinVar:

NM_005609.4(PYGM):c.1892_1893del (p.Val631fs)

Gene: PYGM (glycogen phosphorylase, muscle associated; minus strand). Cytogenetic location: 11q13.1.
Variant type: Deletion.
Coding change: c.1892_1893del on transcript NM_005609.4 (MANE Select); coding-DNA positions 1892 to 1893, 2 bases deleted (TC; older notation c.1892_1893delTC).
Protein change: p.Val631fs; shifts the reading frame from valine 631.
Molecular consequence: frameshift variant.
Genome position (GRCh38, 1-based): chr11:64,751,401-64,751,402, GA deleted on the plus strand (TC on the coding strand, the reverse complement: PYGM is on the minus strand). VCF-style (leftmost placement, unchanged base first): chr11-64751400-TGA-T. GRCh37 (hg19) VCF-style: chr11-64518872-TGA-T.
Other names: c.1628_1629del, p.Val543fs (NM_001164716.1); short protein forms V543fs, V631fs.
Identifiers: ClinVar variation 5013109 (VCV005013109.1).

ClinVar aggregate classification (germline): Pathogenic (1 of 4 stars; one submission).

Conditions:
Glycogen storage disease, type V (GSD5). Also called: MCARDLE DISEASE; MUSCLE GLYCOGEN PHOSPHORYLASE DEFICIENCY; MYOPHOSPHORYLASE DEFICIENCY; PYGM DEFICIENCY; McArdle type glycogen storage disease. Identifiers: Orphanet 368, MedGen C0017924, MONDO:0009293, OMIM 232600.

Submission:

Myriad Genetics, Inc.
Classification: Pathogenic for Glycogen storage disease, type V. Last evaluated: 2024-05-14. Review status: criteria provided, single submitter. Criteria: Myriad Autosomal Dominant, Autosomal Recessive and X-Linked Classification Criteria (2023). Collection method: clinical testing. Allele origin: unknown.
Comment: NM_005609.2(PYGM):c.1892_1893delTC(V631Efs*3) is expected to be pathogenic in the context of glycogen storage disease, PYGM-related. This variant is predicted to lead to an abnormal or absent protein product due to the creation of a premature termination codon in PYGM, a gene where loss-of-function variants are known to be pathogenic. Please note: this variant was assessed in the context of healthy population screening.